The following is an entry in ClinVar:

ClinVar aggregate classification (germline): Uncertain significance (1 of 4 stars; one submission).

Conditions:
ANKRD1-related dilated cardiomyopathy. Identifiers: MedGen CN119551.

Allele frequency attached by ClinVar (database versions not stated): ExAC 0.00001; 1000 Genomes Project 0.00020; 1000 Genomes Project 30x 0.00031.
gnomAD v4.1: 1 of 1,613,898 alleles (0.000062%); highest among the groups gnomAD compares: Admixed American, 0.0017%; no homozygotes.

Submission:

Labcorp Genetics (formerly Invitae), Labcorp
Classification: Uncertain significance for ANKRD1-related dilated cardiomyopathy. Last evaluated: 2019-05-23. Review status: criteria provided, single submitter. Criteria: Invitae Variant Classification Sherloc (09022015). Collection method: clinical testing. Allele origin: germline.
Comment: In summary, the available evidence is currently insufficient to determine the role of this variant in disease. Therefore, it has been classified as a Variant of Uncertain Significance. Algorithms developed to predict the effect of missense changes on protein structure and function (SIFT, PolyPhen-2, Align-GVGD) all suggest that this variant is likely to be disruptive, but these predictions have not been confirmed by published functional studies and their clinical significance is uncertain. This variant has not been reported in the literature in individuals with ANKRD1-related conditions. This variant is present in population databases (rs562300152, ExAC 0.009%). This sequence change replaces proline with leucine at codon 255 of the ANKRD1 protein (p.Pro255Leu). The proline residue is highly conserved and there is a moderate physicochemical difference between proline and leucine.

NM_014391.3(ANKRD1):c.764C>T (p.Pro255Leu)

Gene: ANKRD1 (ankyrin repeat domain 1; minus strand). Cytogenetic location: 10q23.31.
Variant type: single nucleotide variant.
Coding change: c.764C>T on transcript NM_014391.3 (MANE Select); coding-DNA position 764, C replaced by T.
Protein change: p.Pro255Leu; replaces proline 255 with leucine.
Molecular consequence: missense variant.
Genome position (GRCh38, 1-based): chr10:90,915,628, G>A on the plus strand (C>T on the coding strand, the complement: ANKRD1 is on the minus strand). VCF-style: chr10-90915628-G-A. GRCh37 (hg19) VCF-style: chr10-92675385-G-A.
Other names: short protein forms P255L.
Identifiers: ClinVar variation 949364 (VCV000949364.10), dbSNP rs562300152, ClinGen allele CA5598611.
Genomic context (GRCh38, chr10:90,915,628, plus strand): 5'-CCATACATAATCAGGAGTCGGATCATCTTATAGCGGTTCAGTCTCACCGCATCATGCAAC[G>A]GGGTATCTCCTTCCTAGAGAAGCAGAGTCAACAGGTTCAAGGTGGGTCTGAGGCCAGGAA-3'
Protein context (NP_055206.2, residues 245-265): LNAKDREGDT[Pro255Leu]LHDAVRLNRY